The following is an entry in ClinVar:

ClinVar aggregate classification (germline): Uncertain significance (1 of 4 stars; one submission).

Conditions:
GM1 gangliosidosis. Identifiers: Orphanet 354, MedGen C0085131, MONDO:0018149.
Mucopolysaccharidosis, MPS-IV-B (MPS4B). Also called: MORQUIO SYNDROME B; Mucopolysaccharidosis Type IVB (Morquio B Disease); Mucopolysaccharidosis type 4B; Mucopolysaccharidosis type IVB (Morquio); MPS IVB; Mucopolysaccharidosis type IV B. Identifiers: Orphanet 309310, Orphanet 582, MedGen C0086652, MONDO:0009660, OMIM 253010.

Allele frequency attached by ClinVar (database versions not stated): TOPMed below 0.00001; gnomAD exomes 0.00001; ExAC 0.00002.
gnomAD v4.1: 9 of 1,614,002 alleles (0.00056%); highest among the groups gnomAD compares: Non-Finnish European, 0.00076%; no homozygotes.

Submission:

Labcorp Genetics (formerly Invitae), Labcorp
Classification: Uncertain significance for Mucopolysaccharidosis, MPS-IV-B; GM1 gangliosidosis. Last evaluated: 2021-09-01. Review status: criteria provided, single submitter. Criteria: Invitae Variant Classification Sherloc (09022015). Collection method: clinical testing. Allele origin: germline.
Comment: This sequence change replaces threonine with alanine at codon 421 of the GLB1 protein (p.Thr421Ala). The threonine residue is moderately conserved and there is a small physicochemical difference between threonine and alanine. This variant is present in population databases (rs779877504, ExAC 0.003%). This variant has not been reported in the literature in individuals affected with GLB1-related conditions. Advanced modeling of protein sequence and biophysical properties (such as structural, functional, and spatial information, amino acid conservation, physicochemical variation, residue mobility, and thermodynamic stability) performed at Invitae indicates that this missense variant is not expected to disrupt GLB1 protein function. Algorithms developed to predict the effect of sequence changes on RNA splicing suggest that this variant may create or strengthen a splice site. In summary, the available evidence is currently insufficient to determine the role of this variant in disease. Therefore, it has been classified as a Variant of Uncertain Significance.

NM_000404.4(GLB1):c.1261A>G (p.Thr421Ala)

Gene: GLB1 (galactosidase beta 1; minus strand). Cytogenetic location: 3p22.3.
Variant type: single nucleotide variant.
Coding change: c.1261A>G on transcript NM_000404.4 (MANE Select); coding-DNA position 1261, A replaced by G.
Protein change: p.Thr421Ala; replaces threonine 421 with alanine.
Molecular consequence: missense variant.
Genome position (GRCh38, 1-based): chr3:33,018,534, T>C on the plus strand (A>G on the coding strand, the complement: GLB1 is on the minus strand). VCF-style: chr3-33018534-T-C. GRCh37 (hg19) VCF-style: chr3-33060026-T-C.
Other names: c.1171A>G, p.Thr391Ala (NM_001079811.3); c.868A>G, p.Thr290Ala (NM_001135602.3); c.1405A>G, p.Thr469Ala (NM_001317040.2); c.1261A>G, p.Thr421Ala (NM_001393580.1); short protein forms T290A, T391A, T421A, T469A.
Identifiers: ClinVar variation 1448206 (VCV001448206.5), dbSNP rs779877504, ClinGen allele CA2299440.